The following is an entry in ClinVar:

NM_000282.4(PCCA):c.468+11A>C

Gene: PCCA (propionyl-CoA carboxylase subunit alpha; plus strand). Cytogenetic location: 13q32.3.
Variant type: single nucleotide variant.
Coding change: c.468+11A>C on transcript NM_000282.4 (MANE Select); 11 bases into the intron after coding-DNA position 468, A replaced by C.
Molecular consequence: intron variant.
Genome position (GRCh38, 1-based): chr13:100,157,351, A>C. VCF-style: chr13-100157351-A-C. GRCh37 (hg19) VCF-style: chr13-100809605-A-C.
Other names: c.468+11A>C (NM_001178004.2, NM_001352605.2, NM_001352606.2 and 1 more transcripts); c.-399+11A>C (NM_001352610.2, NM_001352611.2, NM_001352612.2); c.390+11A>C (NM_001127692.3, NM_001352607.2, NM_001352608.2).
Identifiers: ClinVar variation 515016 (VCV000515016.11), dbSNP rs187554010, ClinGen allele CA7033234.

ClinVar aggregate classification (germline): Benign/Likely benign. Review status: criteria provided, multiple submitters, no conflicts (2 of 4 stars). 3 submissions from 3 submitters: Benign (1); Likely benign (2). Last evaluated 2026-01-15.

Conditions:
Propionic acidemia (PROP). Also called: GLYCINEMIA, KETOTIC; HYPERGLYCINEMIA WITH KETOACIDOSIS AND LEUKOPENIA; KETOTIC HYPERGLYCINEMIA. Identifiers: Orphanet 35, MedGen C0268579, MONDO:0011628, OMIM 606054, HP:0003571.

Allele frequency attached by ClinVar (database versions not stated): gnomAD exomes 0.00006 and 0.00031; gnomAD 0.00010 and 0.00017; TOPMed 0.00013; ExAC 0.00024; 1000 Genomes Project 30x 0.00141; 1000 Genomes Project 0.00180.
gnomAD v4.1: 105 of 1,582,274 alleles (0.0066%); highest among the groups gnomAD compares: East Asian, 0.23%; 1 homozygote.

Submissions (3):

Labcorp Genetics (formerly Invitae), Labcorp
Classification: Benign for Propionic acidemia. Last evaluated: 2026-01-15. Review status: criteria provided, single submitter. Criteria: Invitae Variant Classification Sherloc (09022015). Collection method: clinical testing. Allele origin: germline.

Blueprint Genetics
Classification: Likely benign. Last evaluated: 2024-11-21. Review status: criteria provided, single submitter. Criteria: ACMG Guidelines, 2015. Collection method: clinical testing. Allele origin: germline.

GeneDx
Classification: Likely benign. Last evaluated: 2018-02-08. Review status: criteria provided, single submitter. Criteria: GeneDx Variant Classification (06012015). Collection method: clinical testing. Allele origin: germline. Affected: yes.
Comment: This variant is considered likely benign or benign based on one or more of the following criteria: it is a conservative change, it occurs at a poorly conserved position in the protein, it is predicted to be benign by multiple in silico algorithms, and/or has population frequency not consistent with disease.